The following is an entry in ClinVar:

NM_003221.4(TFAP2B):c.663C>T (p.Gly221=)

Gene: TFAP2B (transcription factor AP-2 beta; plus strand). Cytogenetic location: 6p12.3.
Variant type: single nucleotide variant.
Coding change: c.663C>T on transcript NM_003221.4 (MANE Select); coding-DNA position 663, C replaced by T.
Protein change: p.Gly221=; no amino-acid change (glycine 221 retained).
Molecular consequence: synonymous variant.
Genome position (GRCh38, 1-based): chr6:50,836,122, C>T. VCF-style: chr6-50836122-C-T. GRCh37 (hg19) VCF-style: chr6-50803835-C-T.
Identifiers: ClinVar variation 4777399 (VCV004777399.1).

ClinVar aggregate classification (germline): Uncertain significance (1 of 4 stars; one submission).

gnomAD v4.1: 8 of 1,614,126 alleles (0.0005%); highest among the groups gnomAD compares: Non-Finnish European, 0.00059%; no homozygotes.

Submission:

Labcorp Genetics (formerly Invitae), Labcorp
Classification: Uncertain significance. Last evaluated: 2025-09-12. Review status: criteria provided, single submitter. Criteria: Invitae Variant Classification Sherloc (09022015). Collection method: clinical testing. Allele origin: germline.
Comment: This sequence change affects codon 221 of the TFAP2B mRNA. It is a 'silent' change, meaning that it does not change the encoded amino acid sequence of the TFAP2B protein. This variant is present in population databases (rs763308336, gnomAD 0.0009%). This variant has not been reported in the literature in individuals affected with TFAP2B-related conditions. Algorithms developed to predict the effect of sequence changes on RNA splicing suggest that this variant may create or strengthen a splice site. In summary, the available evidence is currently insufficient to determine the role of this variant in disease. Therefore, it has been classified as a Variant of Uncertain Significance.